The following is an entry in ClinVar:

NC_012920.1(MT-CO1):m.6748T>C

Gene: MT-CO1 (mitochondrially encoded cytochrome c oxidase I; plus strand).
Variant type: single nucleotide variant.
Genome position: chrM-6748-T-C.
Identifiers: ClinVar variation 692671 (VCV000692671.1), dbSNP rs1556423171, ClinGen allele CA414786073.

ClinVar aggregate classification (germline): Uncertain significance (1 of 4 stars; one submission).

Conditions:
Leigh syndrome (NULS). Also called: Leigh's necrotizing encephalopathy; Leigh's disease; Leigh Syndrome (mtDNA deletion); Leigh Disease; Subacute necrotizing encephalopathy; Necrotizing encephalopathy infantile subacute of Leigh. Identifiers: Orphanet 506, MedGen C2931891, MONDO:0009723, OMIM 256000.

Submission:

Wong Mito Lab, Molecular and Human Genetics, Baylor College of Medicine
Classification: Uncertain significance for Leigh syndrome. Last evaluated: 2019-10-17. Review status: criteria provided, single submitter. Criteria: Modified ACMG Guidelines (Unpublished). Collection method: clinical testing. Allele origin: germline.
Comment: The NC_012920.1:m.6748T>C (YP_003024028.1:p.Phe282Ser) variant in MTCO1 gene is interpretated to be a Uncertain Significance variant based on the modified ACMG guidelines (unpublished). This variant meets the following evidence codes: PP3